The following is an entry in ClinVar:

NM_001458.5(FLNC):c.6300C>G (p.Tyr2100Ter)

Genes: FLNC (filamin C; plus strand), FLNC-AS1 (FLNC antisense RNA 1; minus strand). Cytogenetic location: 7q32.1.
Variant type: single nucleotide variant.
Coding change: c.6300C>G on transcript NM_001458.5 (MANE Select); coding-DNA position 6300, C replaced by G.
Protein change: p.Tyr2100Ter; replaces tyrosine 2100 with a stop codon.
Molecular consequence: nonsense.
Genome position (GRCh38, 1-based): chr7:128,853,560, C>G. VCF-style: chr7-128853560-C-G. GRCh37 (hg19) VCF-style: chr7-128493614-C-G.
Other names: c.6201C>G, p.Tyr2067Ter (NM_001127487.2); short protein forms Y2067*, Y2100*.
Identifiers: ClinVar variation 3255150 (VCV003255150.1), dbSNP rs2536662182.
Genomic context (GRCh38, chr7:128,853,560, plus strand): 5'-CCCAAGCAAGGTGGACATCAACTGTGAGGACATGGAGGACGGGACATGCAAAGTCACCTA[C>G]TGCCCCACCGAGCCCGGCACCTACATCATCAACATCAAGTTTGCTGACAAGCACGTGCCT-3'

ClinVar aggregate classification (germline): Pathogenic (1 of 4 stars; one submission).

Conditions:
Primary dilated cardiomyopathy (DCM). Also called: Dilated Cardiomyopathy. Identifiers: Orphanet 217604, MedGen C0007193, MeSH D002311, MONDO:0005021, HP:0001644. Inheritance: Various modes of inheritance.

Submission:

Victorian Clinical Genetics Services, Murdoch Childrens Research Institute
Classification: Pathogenic for Primary dilated cardiomyopathy. Last evaluated: 2023-07-17. Review status: criteria provided, single submitter. Criteria: ACMG Guidelines, 2015. Collection method: clinical testing. Allele origin: germline. Inheritance: Autosomal dominant inheritance. Affected: yes.
Comment: Based on the classification scheme VCGS_Germline_v1.3.4, this variant is classified as Pathogenic. Following criteria are met: 0103 - Loss of function and gain of function are known mechanisms of disease in this gene. Loss of function is the established mechanism of disease for variants in dilated cardiomyopathy (PMID: 32112656), familial hypertrophic cardiomyopathy 26 (MIM#617047), familial restrictive cardiomyopathy 5 (MIM#617047) and myofibrillar myopathy 5 (MIM#609524), and recently has been associated with arrhythmogenic right ventricular cardiomyopathy (MONDO:0016587; PMID: 31627847). In distal myopathy 4 (MIM#614065), NMD-predicted variants cause a loss of function, however missense variants have been shown to result in a toxic gain of function (PMID: 32112656). (I) 0107 - This gene is associated with autosomal dominant disease. Variants located throughout the gene that are predicted to result in nonsense-mediated decay (NMD) are enriched in dilated cardiomyopathy, whereas missense variants in the ROD2 domain are enriched in familial hypertrophic cardiomyopathy 26 and familial restrictive cardiomyopathy 5 (MIM#617047). Additionally, myofibrillar myopathy 5 (MIM#609524) is known to result from either missense variants in the ROD2 domain or truncating variants in the Ig-like domain 24, while missense variants in the actin-binding domain and NMD-predicted variants located in the Ig-like domain 15 and have been reported for distal myopathy 4 (MIM#614065) (PMID: 32112656). (I) 0115 - Variants in this gene are known to have variable expressivity in relation to arrhythmogenic right ventricular cardiomyopathy (PMID: 31627847). (I) 0201 - Variant is predicted to cause nonsense-mediated decay (NMD) and loss of protein (premature termination codon is located at least 54 nucleotides upstream of the final exon-exon junction). (SP) 0251 - This variant is heterozygous. (I) 0301 - Variant is absent from gnomAD (both v2 and v3). (SP) 0701 - Other premature termination variants comparable to the one identified in this case have very strong previous evidence for pathogenicity. Many NMD-predicted variants in this gene have been reported as likely pathogenic/pathogenic (ClinVar). (SP) 0803 - This variant has limited previous evidence of pathogenicity in an unrelated individual. The same amino acid change due to a different nucleotide change (c.6291_6299dup) has been reported in a child with dilated cardiomyopathy and tachycardia (PMID: 31712860). (SP) 0905 - No published segregation evidence has been identified for this variant. (I) 1007 - No published functional evidence has been identified for this variant. (I) 1208 - Inheritance information for this variant is not currently available in this individual. (I) Legend: (SP) - Supporting pathogenic, (I) - Information, (SB) - Supporting benign

Literature cited by the submitters: PubMed 31627847; PubMed 31712860; PubMed 32112656.